The following is an entry in ClinVar:

NM_006371.5(CRTAP):c.1069-202A>G

Gene: CRTAP (cartilage associated protein; plus strand). Cytogenetic location: 3p22.3.
Variant type: single nucleotide variant.
Coding change: c.1069-202A>G on transcript NM_006371.5 (MANE Select); 202 bases into the intron before coding-DNA position 1069, A replaced by G.
Molecular consequence: intron variant.
Genome position (GRCh38, 1-based): chr3:33,133,980, A>G. VCF-style: chr3-33133980-A-G. GRCh37 (hg19) VCF-style: chr3-33175472-A-G.
Other names: c.1068+1280A>G (NM_001393363.1); c.940-202A>G (NM_001393364.1); c.919-202A>G (NM_001393365.1).
Identifiers: ClinVar variation 669847 (VCV000669847.1), dbSNP rs60018840, ClinGen allele CA72669852.

ClinVar aggregate classification (germline): Likely benign (1 of 4 stars; one submission).

Allele frequency attached by ClinVar (database versions not stated): gnomAD 0.00444 and 0.00468; TOPMed 0.00515; 1000 Genomes Project 0.00579; 1000 Genomes Project 30x 0.00625.

Submission:

GeneDx
Classification: Likely benign. Last evaluated: 2018-06-14. Review status: criteria provided, single submitter. Criteria: GeneDx Variant Classification (06012015). Collection method: clinical testing. Allele origin: germline. Affected: yes.
Comment: This variant is considered likely benign or benign based on one or more of the following criteria: it is a conservative change, it occurs at a poorly conserved position in the protein, it is predicted to be benign by multiple in silico algorithms, and/or has population frequency not consistent with disease.